The following is an entry in ClinVar:

NM_078629.4(MSL3):c.1485C>T (p.His495=)

Gene: MSL3 (MSL complex subunit 3; plus strand). Cytogenetic location: Xp22.2.
Variant type: single nucleotide variant.
Coding change: c.1485C>T on transcript NM_078629.4 (MANE Select); coding-DNA position 1485, C replaced by T.
Protein change: p.His495=; no amino-acid change (histidine 495 retained).
Molecular consequence: synonymous variant.
Genome position (GRCh38, 1-based): chrX:11,774,998, C>T. VCF-style: chrX-11774998-C-T. GRCh37 (hg19) VCF-style: chrX-11793117-C-T.
Other names: c.1449C>T, p.His483= (NM_001193270.2); c.1038C>T, p.His346= (NM_001282174.1); c.987C>T, p.His329= (NM_006800.4).
Identifiers: ClinVar variation 4872326 (VCV004872326.3).

ClinVar aggregate classification (germline): Likely benign. Review status: criteria provided, multiple submitters, no conflicts (2 of 4 stars). 2 submissions from 2 submitters: Likely benign (2). Last evaluated 2026-04-01.

gnomAD v4.1: 17 of 1,206,257 alleles (0.0014%); highest among the groups gnomAD compares: South Asian, 0.0071%; no homozygotes.

Submissions (2):

CeGaT Center for Human Genetics Tuebingen
Classification: Likely benign. Last evaluated: 2026-04-01. Review status: criteria provided, single submitter. Criteria: CeGaT Center For Human Genetics Tuebingen Variant Classification Criteria Version 2. Collection method: clinical testing. Allele origin: germline. Affected: yes. Observed: 1 variant allele.
Comment: MSL3: BP4, BP7, BS2

Blueprint Genetics
Classification: Likely benign. Last evaluated: 2021-05-12. Review status: criteria provided, single submitter. Criteria: ACMG Guidelines, 2015. Collection method: clinical testing. Allele origin: germline.